The following is an entry in ClinVar:

NM_001378964.1(CDON):c.1762A>G (p.Thr588Ala)

Gene: CDON (cell adhesion associated, oncogene regulated; minus strand). Cytogenetic location: 11q24.2.
Variant type: single nucleotide variant.
Coding change: c.1762A>G on transcript NM_001378964.1 (MANE Select); coding-DNA position 1762, A replaced by G.
Protein change: p.Thr588Ala; replaces threonine 588 with alanine.
Molecular consequence: missense variant.
Genome position (GRCh38, 1-based): chr11:126,005,848, T>C on the plus strand (A>G on the coding strand, the complement: CDON is on the minus strand). VCF-style: chr11-126005848-T-C. GRCh37 (hg19) VCF-style: chr11-125875743-T-C.
Other names: c.1762A>G, p.Thr588Ala (NM_001243597.3, NM_001441161.1, NM_001441162.1 and 5 more transcripts); short protein forms T588A.
Identifiers: ClinVar variation 4529586 (VCV004529586.1).

ClinVar aggregate classification (germline): Uncertain significance (1 of 4 stars; one submission).

Submission:

GeneDx
Classification: Uncertain significance. Last evaluated: 2025-05-14. Review status: criteria provided, single submitter. Criteria: GeneDx Variant Classification Process June 2021. Collection method: clinical testing. Allele origin: germline. Affected: yes.
Comment: Not observed at significant frequency in large population cohorts (gnomAD); In silico analysis supports that this missense variant has a deleterious effect on protein structure/function; Has not been previously published as pathogenic or benign to our knowledge